The following is an entry in ClinVar:

ClinVar aggregate classification (germline): Pathogenic (1 of 4 stars; one submission).

Conditions:
Early-infantile DEE. Also called: Ohtahara syndrome; Early infantile epileptic encephalopathy with suppression bursts; Early infantile epileptic encephalopathy. Identifiers: Orphanet 1934, MedGen C0393706, MONDO:0800491.

Submission:

Labcorp Genetics (formerly Invitae), Labcorp
Classification: Pathogenic for Early-infantile DEE. Last evaluated: 2023-06-09. Review status: criteria provided, single submitter. Criteria: Invitae Variant Classification Sherloc (09022015). Collection method: clinical testing. Allele origin: germline.
Comment: For these reasons, this variant has been classified as Pathogenic. Algorithms developed to predict the effect of sequence changes on RNA splicing suggest that this variant may disrupt the consensus splice site. This variant has not been reported in the literature in individuals affected with SPTAN1-related conditions. This variant is not present in population databases (gnomAD no frequency). This sequence change creates a premature translational stop signal (p.Glu447*) in the SPTAN1 gene. It is expected to result in an absent or disrupted protein product. Loss-of-function variants in SPTAN1 are known to be pathogenic (PMID: 31332438, 33206935).

Literature cited by the submitters: PubMed 31332438; PubMed 33206935.

NM_001130438.3(SPTAN1):c.1339G>T (p.Glu447Ter)

Gene: SPTAN1 (spectrin alpha, non-erythrocytic 1; plus strand). Cytogenetic location: 9q34.11.
Variant type: single nucleotide variant.
Coding change: c.1339G>T on transcript NM_001130438.3 (MANE Select); coding-DNA position 1339, G replaced by T.
Protein change: p.Glu447Ter; replaces glutamic acid 447 with a stop codon.
Molecular consequence: nonsense.
Genome position (GRCh38, 1-based): chr9:128,580,937, G>T. VCF-style: chr9-128580937-G-T. GRCh37 (hg19) VCF-style: chr9-131343216-G-T.
Other names: c.1339G>T, p.Glu447Ter (NM_001375314.2, NM_003127.4, NM_001195532.2 and 5 more transcripts); c.1375G>T, p.Glu459Ter (NM_001375318.1, NM_001375312.2); short protein forms E447*, E459*.
Identifiers: ClinVar variation 2702325 (VCV002702325.3), dbSNP rs767067922, ClinGen allele CA375053247.